The following is an entry in ClinVar:

ClinVar aggregate classification (germline): Uncertain significance (1 of 4 stars; one submission).

gnomAD v4.1: 4 of 1,613,924 alleles (0.00025%); highest among the groups gnomAD compares: Non-Finnish European, 0.00034%; no homozygotes.

Submission:

Labcorp Genetics (formerly Invitae), Labcorp
Classification: Uncertain significance. Last evaluated: 2024-09-11. Review status: criteria provided, single submitter. Criteria: Invitae Variant Classification Sherloc (09022015). Collection method: clinical testing. Allele origin: germline.
Comment: This sequence change replaces lysine, which is basic and polar, with glutamine, which is neutral and polar, at codon 1351 of the DUOX2 protein (p.Lys1351Gln). This variant is present in population databases (no rsID available, gnomAD 0.002%). This variant has not been reported in the literature in individuals affected with DUOX2-related conditions. Invitae Evidence Modeling of protein sequence and biophysical properties (such as structural, functional, and spatial information, amino acid conservation, physicochemical variation, residue mobility, and thermodynamic stability) indicates that this missense variant is not expected to disrupt DUOX2 protein function with a negative predictive value of 95%. In summary, the available evidence is currently insufficient to determine the role of this variant in disease. Therefore, it has been classified as a Variant of Uncertain Significance.

NM_001363711.2(DUOX2):c.4051A>C (p.Lys1351Gln)

Gene: DUOX2 (dual oxidase 2; minus strand). Cytogenetic location: 15q21.1.
Variant type: single nucleotide variant.
Coding change: c.4051A>C on transcript NM_001363711.2 (MANE Select); coding-DNA position 4051, A replaced by C.
Protein change: p.Lys1351Gln; replaces lysine 1351 with glutamine.
Molecular consequence: missense variant.
Genome position (GRCh38, 1-based): chr15:45,095,857, T>G on the plus strand (A>C on the coding strand, the complement: DUOX2 is on the minus strand). VCF-style: chr15-45095857-T-G. GRCh37 (hg19) VCF-style: chr15-45388055-T-G.
Other names: c.4051A>C, p.Lys1351Gln (NM_014080.5); short protein forms K1351Q.
Identifiers: ClinVar variation 3610588 (VCV003610588.2).